The following is an entry in ClinVar:

NM_022893.4(BCL11A):c.2327A>G (p.Asn776Ser)

Gene: BCL11A (BCL11 transcription factor A; minus strand). Cytogenetic location: 2p16.1.
Variant type: single nucleotide variant.
Coding change: c.2327A>G on transcript NM_022893.4 (MANE Select); coding-DNA position 2327, A replaced by G.
Protein change: p.Asn776Ser; replaces asparagine 776 with serine.
Molecular consequence: missense variant. On other transcripts: intron variant (13).
Genome position (GRCh38, 1-based): chr2:60,460,585, T>C on the plus strand (A>G on the coding strand, the complement: BCL11A is on the minus strand). VCF-style: chr2-60460585-T-C. GRCh37 (hg19) VCF-style: chr2-60687720-T-C.
Other names: c.2225A>G, p.Asn742Ser (NM_001363864.1, NM_001365609.1, NM_001405711.1 and 1 more transcripts); c.2327A>G, p.Asn776Ser (NM_001405708.1, NM_001405709.1, NM_001405710.1); c.2171A>G, p.Asn724Ser (NM_001405713.1, NM_001405714.1, NM_001405715.1 and 1 more transcripts); c.2069A>G, p.Asn690Ser (NM_001405717.1, NM_001405718.1); c.1994A>G, p.Asn665Ser (NM_001405720.1, NM_001405721.1); c.1871A>G, p.Asn624Ser (NM_001405725.1, NM_001405726.1, NM_001405727.1 and 1 more transcripts); c.1634A>G, p.Asn545Ser (NM_001405729.1); c.630+1697A>G (NM_138559.2, NM_001405732.1); and 9 more; short protein forms N545S, N624S, N665S, N690S, N724S, N742S, N776S.
Identifiers: ClinVar variation 3360623 (VCV003360623.1).

ClinVar aggregate classification (germline): Uncertain significance (1 of 4 stars; one submission).

Submission:

GeneDx
Classification: Uncertain significance. Last evaluated: 2023-06-30. Review status: criteria provided, single submitter. Criteria: GeneDx Variant Classification Process June 2021. Collection method: clinical testing. Allele origin: germline. Affected: yes.
Comment: Not observed at significant frequency in large population cohorts (gnomAD); In silico analysis supports that this missense variant does not alter protein structure/function; Has not been previously published as pathogenic or benign to our knowledge